The following is an entry in ClinVar:

ClinVar aggregate classification (germline): Pathogenic (1 of 4 stars; one submission).

Conditions:
Deficiency of acetyl-CoA acetyltransferase. Also called: 3-KETOTHIOLASE DEFICIENCY; 3-OXOTHIOLASE DEFICIENCY; MITOCHONDRIAL ACETOACETYL-CoA THIOLASE DEFICIENCY; Beta-ketothiolase deficiency. Identifiers: Orphanet 134, MedGen C1536500, MONDO:0008760, OMIM 203750. Disease mechanism: loss of function.

Submission:

Myriad Genetics, Inc.
Classification: Pathogenic for Deficiency of acetyl-CoA acetyltransferase. Last evaluated: 2024-10-28. Review status: criteria provided, single submitter. Criteria: Myriad Autosomal Dominant, Autosomal Recessive and X-Linked Classification Criteria (2023). Collection method: clinical testing. Allele origin: unknown.
Comment: NM_000019.3(ACAT1):c.370A>T(K124*) is expected to be pathogenic in the context of beta-ketothiolase deficiency. This variant is predicted to lead to an abnormal or absent protein product due to the creation of a premature termination codon in ACAT1, a gene where loss-of-function variants are known to be pathogenic. Please note: this variant was assessed in the context of healthy population screening.

NM_000019.4(ACAT1):c.370A>T (p.Lys124Ter)

Gene: ACAT1 (acetyl-CoA acetyltransferase 1; plus strand). Cytogenetic location: 11q22.3.
Variant type: single nucleotide variant.
Coding change: c.370A>T on transcript NM_000019.4 (MANE Select); coding-DNA position 370, A replaced by T.
Protein change: p.Lys124Ter; replaces lysine 124 with a stop codon.
Molecular consequence: nonsense. On other transcripts: non-coding transcript variant (1), intron variant (1).
Genome position (GRCh38, 1-based): chr11:108,135,177, A>T. VCF-style: chr11-108135177-A-T. GRCh37 (hg19) VCF-style: chr11-108005904-A-T.
Other names: c.370A>T, p.Lys124Ter (NM_001386677.1); c.73A>T, p.Lys25Ter (NM_001386679.1); c.100A>T, p.Lys34Ter (NM_001386681.1, NM_001386682.1, NM_001386685.1 and 6 more transcripts); c.120+3223A>T (NM_001386678.1); short protein forms K124*, K25*, K34*.
Identifiers: ClinVar variation 5013683 (VCV005013683.1).